The following is an entry in ClinVar:

NM_005546.4(ITK):c.302G>A (p.Arg101His)

Gene: ITK (IL2 inducible T cell kinase; plus strand). Cytogenetic location: 5q33.3.
Variant type: single nucleotide variant.
Coding change: c.302G>A on transcript NM_005546.4 (MANE Select); coding-DNA position 302, G replaced by A.
Protein change: p.Arg101His; replaces arginine 101 with histidine.
Molecular consequence: missense variant.
Genome position (GRCh38, 1-based): chr5:157,211,345, G>A. VCF-style: chr5-157211345-G-A. GRCh37 (hg19) VCF-style: chr5-156638356-G-A.
Other names: short protein forms R101H.
Identifiers: ClinVar variation 1382169 (VCV001382169.8), dbSNP rs752789103, ClinGen allele CA3532696.

ClinVar aggregate classification (germline): Uncertain significance (1 of 4 stars; one submission).

Conditions:
Lymphoproliferative syndrome 1 (LPFS1). Identifiers: Orphanet 238505, Orphanet 538963, MedGen C3552634, MONDO:0013081, OMIM 613011.

Allele frequency attached by ClinVar (database versions not stated): ExAC 0.00001; gnomAD 0.00001; gnomAD exomes 0.00001; TOPMed 0.00001.

Submission:

Labcorp Genetics (formerly Invitae), Labcorp
Classification: Uncertain significance for Lymphoproliferative syndrome 1. Last evaluated: 2021-04-03. Review status: criteria provided, single submitter. Criteria: Invitae Variant Classification Sherloc (09022015). Collection method: clinical testing. Allele origin: germline.
Comment: In summary, the available evidence is currently insufficient to determine the role of this variant in disease. Therefore, it has been classified as a Variant of Uncertain Significance. Advanced modeling of protein sequence and biophysical properties (such as structural, functional, and spatial information, amino acid conservation, physicochemical variation, residue mobility, and thermodynamic stability) performed at Invitae indicates that this missense variant is not expected to disrupt ITK protein function. This variant has not been reported in the literature in individuals with ITK-related conditions. This variant is present in population databases (rs752789103, ExAC 0.006%). This sequence change replaces arginine with histidine at codon 101 of the ITK protein (p.Arg101His). The arginine residue is moderately conserved and there is a small physicochemical difference between arginine and histidine.